The following is an entry in ClinVar:

NM_015404.4(WHRN):c.1025C>T (p.Ala342Val)

Gene: WHRN (whirlin; minus strand). Cytogenetic location: 9q32.
Variant type: single nucleotide variant.
Coding change: c.1025C>T on transcript NM_015404.4 (MANE Select); coding-DNA position 1025, C replaced by T.
Protein change: p.Ala342Val; replaces alanine 342 with valine.
Molecular consequence: missense variant. On other transcripts: 5 prime UTR variant (1).
Genome position (GRCh38, 1-based): chr9:114,426,352, G>A on the plus strand (C>T on the coding strand, the complement: WHRN is on the minus strand). VCF-style: chr9-114426352-G-A. GRCh37 (hg19) VCF-style: chr9-117188632-G-A.
Other names: c.-125C>T (NM_001083885.3); c.1025C>T, p.Ala342Val (NM_001173425.2); short protein forms A342V.
Identifiers: ClinVar variation 1405242 (VCV001405242.8), dbSNP rs2132407937, ClinGen allele CA374611299.

ClinVar aggregate classification (germline): Uncertain significance (1 of 4 stars; one submission).

Submission:

Labcorp Genetics (formerly Invitae), Labcorp
Classification: Uncertain significance. Last evaluated: 2021-01-27. Review status: criteria provided, single submitter. Criteria: Invitae Variant Classification Sherloc (09022015). Collection method: clinical testing. Allele origin: germline.
Comment: In summary, the available evidence is currently insufficient to determine the role of this variant in disease. Therefore, it has been classified as a Variant of Uncertain Significance. Algorithms developed to predict the effect of missense changes on protein structure and function are either unavailable or do not agree on the potential impact of this missense change (SIFT: "Tolerated"; PolyPhen-2: "Probably Damaging"; Align-GVGD: "Class C0"). This variant has not been reported in the literature in individuals with WHRN-related conditions. This variant is not present in population databases (ExAC no frequency). This sequence change replaces alanine with valine at codon 342 of the WHRN protein (p.Ala342Val). The alanine residue is highly conserved and there is a small physicochemical difference between alanine and valine.